The following is an entry in ClinVar:

NM_001323289.2(CDKL5):c.670C>T (p.Gln224Ter)

Gene: CDKL5 (cyclin dependent kinase like 5; plus strand). Cytogenetic location: Xp22.13.
Variant type: single nucleotide variant.
Coding change: c.670C>T on transcript NM_001323289.2 (MANE Select); coding-DNA position 670, C replaced by T.
Protein change: p.Gln224Ter; replaces glutamine 224 with a stop codon.
Molecular consequence: nonsense.
Genome position (GRCh38, 1-based): chrX:18,588,069, C>T. VCF-style: chrX-18588069-C-T. GRCh37 (hg19) VCF-style: chrX-18606189-C-T.
Other names: NM_001323289.2(CDKL5):c.670C>T; p.Gln224Ter; c.670C>T, p.Gln224Ter (NM_001037343.2, NM_003159.3); short protein forms Q224*.
Identifiers: ClinVar variation 916584 (VCV000916584.2), dbSNP rs1925701271, ClinGen allele CA412353509.

ClinVar aggregate classification (germline): Pathogenic. Review status: criteria provided, multiple submitters, no conflicts (2 of 4 stars). 2 submissions from 2 submitters: Pathogenic (2). Last evaluated 2024-09-06.

Conditions:
Developmental and epileptic encephalopathy, 2 (DEE2). Also called: CDKL5 deficiency disorder; INFANTILE SPASM SYNDROME, X-LINKED 2. Identifiers: Orphanet 1934, Orphanet 3451, Orphanet 505652, MedGen C4750718, MONDO:0010396, OMIM 300672.
CDKL5 disorder. Identifiers: MedGen CN296942, MONDO:0100039.

Submissions (2):

Centre for Population Genomics, CPG
Classification: Pathogenic for CDKL5 disorder. Last evaluated: 2024-09-06. Review status: criteria provided, single submitter. Criteria: McKnight et al. (Hum Mutat. 2022). Collection method: curation. Allele origin: germline. Inheritance: X-linked inheritance.
Comment: This variant has been collected from RettBASE and curated to current modified ACMG/AMP criteria. Based on the classification scheme defined by the ClinGen Rett/Angelman-like Expert Panel for Rett/AS-like Disorders Specifications to the ACMG/AMP Variant Interpretation Guidelines VCEP 3.0, this variant is classified as pathogenic. At least the following criteria are met: Predicted to result in loss of function, and LOF is a known mechanism of disease (PVS1). This variant is absent from gnomAD (PM2_Supporting). Has been observed in at least 2 individuals with phenotypes consistent with CDKL5 disorder (PS4_Supporting, PMID: 31791873, PMID: 25657822).

Institute of Human Genetics, University of Leipzig Medical Center
Classification: Pathogenic for Developmental and epileptic encephalopathy, 2. Last evaluated: 2018-01-01. Review status: criteria provided, single submitter. Criteria: ACMG Guidelines, 2015. Collection method: clinical testing. Allele origin: germline. Affected: yes.

Literature cited by the submitters: PubMed 31791873 (cited by Institute of Human Genetics, University of Leipzig Medical Center).